The following is an entry in ClinVar:

ClinVar aggregate classification (germline): Conflicting classifications of pathogenicity. Review status: criteria provided, conflicting classifications (1 of 4 stars). 2 submissions from 2 submitters: Uncertain significance (1); Benign (1). Last evaluated 2025-04-14.

Conditions:
Intellectual developmental disorder with dysmorphic facies and behavioral abnormalities. Identifiers: MedGen C4748135, MONDO:0060760, OMIM 618089.

Submissions (2):

Labcorp Genetics (formerly Invitae), Labcorp
Classification: Benign. Last evaluated: 2025-04-14. Review status: criteria provided, single submitter. Criteria: Invitae Variant Classification Sherloc (09022015). Collection method: clinical testing. Allele origin: germline.

Breda Genetics srl
Classification: Uncertain significance for Intellectual developmental disorder with dysmorphic facies and behavioral abnormalities. Last evaluated: 2021-04-12. Review status: criteria provided, single submitter. Criteria: ACMG Guidelines, 2015. Collection method: clinical testing. Allele origin: germline. Inheritance: Autosomal dominant inheritance. Affected: yes. Observed: 1 variant allele, 1 heterozygote.
Comment: The variant c.149A>G (p.Gln50Arg) in the FBXO11 gene has not been reported in dbSNP, gnomAD, 1000 Genomes Project or ClinVar. The nucleotide position is moderately conserved across 35 mammalian species (GERP RS: 2.69). In silico analysis mostly indicates that the variant might be neutral. However, especially in the context of variable expressiveness, in silico predictions are to be used with caution (PMID: 29805046).

NM_001190274.2(FBXO11):c.149A>G (p.Gln50Arg)

Genes: FBXO11 (F-box protein 11; minus strand), LOC100506235 (uncharacterized LOC100506235; plus strand). Cytogenetic location: 2p16.3.
Variant type: single nucleotide variant.
Coding change: c.149A>G on transcript NM_001190274.2 (MANE Select); coding-DNA position 149, A replaced by G.
Protein change: p.Gln50Arg; replaces glutamine 50 with arginine.
Molecular consequence: missense variant.
Genome position (GRCh38, 1-based): chr2:47,905,572, T>C on the plus strand (A>G on the coding strand, the complement: FBXO11 is on the minus strand). VCF-style: chr2-47905572-T-C. GRCh37 (hg19) VCF-style: chr2-48132711-T-C.
Other names: short protein forms Q50R.
Identifiers: ClinVar variation 1297476 (VCV001297476.9), dbSNP rs781277953, ClinGen allele CA346812639.